The following is an entry in ClinVar:

NM_006265.3(RAD21):c.925A>G (p.Ile309Val)

Gene: RAD21 (RAD21 cohesin complex component; minus strand). Cytogenetic location: 8q24.11.
Variant type: single nucleotide variant.
Coding change: c.925A>G on transcript NM_006265.3 (MANE Select); coding-DNA position 925, A replaced by G.
Protein change: p.Ile309Val; replaces isoleucine 309 with valine.
Molecular consequence: missense variant.
Genome position (GRCh38, 1-based): chr8:116,856,178, T>C on the plus strand (A>G on the coding strand, the complement: RAD21 is on the minus strand). VCF-style: chr8-116856178-T-C. GRCh37 (hg19) VCF-style: chr8-117868417-T-C.
Other names: short protein forms I309V.
Identifiers: ClinVar variation 2181782 (VCV002181782.4), dbSNP rs1812459300, ClinGen allele CA372002375.

ClinVar aggregate classification (germline): Uncertain significance (1 of 4 stars; one submission).

Conditions:
Cornelia de Lange syndrome 4 (CDLS4). Also called: CORNELIA DE LANGE SYNDROME 4 WITH OR WITHOUT MIDLINE BRAIN DEFECTS; RAD21-Related Cornelia de Lange Syndrome. Identifiers: Orphanet 199, MedGen C3553517, MONDO:0013864, OMIM 614701.

Allele frequency attached by ClinVar (database versions not stated): gnomAD exomes below 0.00001; TOPMed below 0.00001; gnomAD 0.00001.
gnomAD v4.1: 2 of 1,608,478 alleles (0.00012%); highest among the groups gnomAD compares: African/African-American, 0.0013%; no homozygotes.

Submission:

Labcorp Genetics (formerly Invitae), Labcorp
Classification: Uncertain significance for Cornelia de Lange syndrome 4. Last evaluated: 2025-03-17. Review status: criteria provided, single submitter. Criteria: Invitae Variant Classification Sherloc (09022015). Collection method: clinical testing. Allele origin: germline.
Comment: This sequence change replaces isoleucine, which is neutral and non-polar, with valine, which is neutral and non-polar, at codon 309 of the RAD21 protein (p.Ile309Val). This variant is not present in population databases (gnomAD no frequency). This variant has not been reported in the literature in individuals affected with RAD21-related conditions. ClinVar contains an entry for this variant (Variation ID: 2181782). Invitae Evidence Modeling of protein sequence and biophysical properties (such as structural, functional, and spatial information, amino acid conservation, physicochemical variation, residue mobility, and thermodynamic stability) indicates that this missense variant is not expected to disrupt RAD21 protein function with a negative predictive value of 95%. In summary, the available evidence is currently insufficient to determine the role of this variant in disease. Therefore, it has been classified as a Variant of Uncertain Significance.